The following is an entry in ClinVar:

ClinVar aggregate classification (germline): Likely benign (1 of 4 stars; one submission).

gnomAD v4.1: 52 of 1,608,356 alleles (0.0032%); highest among the groups gnomAD compares: Admixed American, 0.01%; no homozygotes.

Submission:

Mayo Clinic Laboratories, Mayo Clinic
Classification: Likely benign. Last evaluated: 2025-06-09. Review status: criteria provided, single submitter. Criteria: ACMG Guidelines, 2015. Collection method: clinical testing. Allele origin: germline. Observed: 1 variant allele.
Comment: BP4, BP7, PM2_supporting

NM_021957.4(GYS2):c.1646-22C>T

Gene: GYS2 (glycogen synthase 2; minus strand). Cytogenetic location: 12p12.1.
Variant type: single nucleotide variant.
Coding change: c.1646-22C>T on transcript NM_021957.4 (MANE Select); 22 bases into the intron before coding-DNA position 1646, C replaced by T.
Molecular consequence: intron variant.
Genome position (GRCh38, 1-based): chr12:21,540,595, G>A on the plus strand (C>T on the coding strand, the complement: GYS2 is on the minus strand). VCF-style: chr12-21540595-G-A. GRCh37 (hg19) VCF-style: chr12-21693529-G-A.
Other names: p.?.
Identifiers: ClinVar variation 4683737 (VCV004683737.1).